The following is an entry in ClinVar:

NM_003743.5(NCOA1):c.2453T>C (p.Leu818Pro)

Gene: NCOA1 (nuclear receptor coactivator 1; plus strand). Cytogenetic location: 2p23.3.
Variant type: single nucleotide variant.
Coding change: c.2453T>C on transcript NM_003743.5 (MANE Select); coding-DNA position 2453, T replaced by C.
Protein change: p.Leu818Pro; replaces leucine 818 with proline.
Molecular consequence: missense variant.
Genome position (GRCh38, 1-based): chr2:24,710,965, T>C. VCF-style: chr2-24710965-T-C. GRCh37 (hg19) VCF-style: chr2-24933834-T-C.
Other names: c.2453T>C, p.Leu818Pro (NM_001362950.1, NM_001362952.1, NM_001362954.1 and 3 more transcripts); short protein forms L818P.
Identifiers: ClinVar variation 2397902 (VCV002397902.4), dbSNP rs376673307, ClinGen allele CA1552407.

ClinVar aggregate classification (germline): Uncertain significance. Review status: criteria provided, multiple submitters, no conflicts (2 of 4 stars). 2 submissions from 2 submitters: Uncertain significance (2). Last evaluated 2026-08-18.

Conditions:
NCOA1-related disorder. Also called: NCOA1-related condition.

Allele frequency attached by ClinVar (database versions not stated): gnomAD 0.00001; ExAC 0.00002; TOPMed 0.00002; ESP Exome Variant Server 0.00008; gnomAD exomes 0.00012.
gnomAD v4.1: 166 of 1,614,064 alleles (0.01%); highest among the groups gnomAD compares: Non-Finnish European, 0.014%; no homozygotes.

Submissions (2):

PreventionGenetics, part of Exact Sciences
Classification: Uncertain significance for NCOA1-related condition. Last evaluated: 2026-08-18. Review status: criteria provided, single submitter. Criteria: ACMG Guidelines, 2015. Collection method: clinical testing. Allele origin: germline.
Comment: The NCOA1 c.2453T>C variant is predicted to result in the amino acid substitution p.Leu818Pro. To our knowledge, this variant has not been reported in the literature. This variant is reported in 0.0062% of alleles in individuals of European (Non-Finnish) descent in gnomAD. At this time, the clinical significance of this variant is uncertain due to the absence of conclusive functional and genetic evidence.

Ambry Genetics
Classification: Uncertain significance. Last evaluated: 2025-01-08. Review status: criteria provided, single submitter. Criteria: Ambry Variant Classification Scheme 2023. Collection method: clinical testing. Allele origin: germline.